The following is an entry in ClinVar:

ClinVar aggregate classification (germline): Pathogenic/Likely pathogenic. Review status: criteria provided, multiple submitters, no conflicts (2 of 4 stars). 2 submissions from 2 submitters: Pathogenic (1); Likely pathogenic (1). Last evaluated 2024-03-11.

Conditions:
Dubin-Johnson syndrome (DJS). Also called: Jaundice, Chronic Idiopathic; HYPERBILIRUBINEMIA, DUBIN-JOHNSON TYPE; Hyperbilirubinemia type 2. Identifiers: Orphanet 234, MedGen C0022350, MONDO:0009380, OMIM 237500.

gnomAD v4.1: 3 of 1,614,004 alleles (0.00019%); no homozygotes.

Submissions (2):

Labcorp Genetics (formerly Invitae), Labcorp
Classification: Pathogenic. Last evaluated: 2024-03-11. Review status: criteria provided, single submitter. Criteria: Invitae Variant Classification Sherloc (09022015). Collection method: clinical testing. Allele origin: germline.
Comment: This sequence change creates a premature translational stop signal (p.Glu1429*) in the ABCC2 gene. It is expected to result in an absent or disrupted protein product. Loss-of-function variants in ABCC2 are known to be pathogenic (PMID: 9185779, 16549534, 16952291). This variant is present in population databases (rs754646220, gnomAD 0.01%). This variant has not been reported in the literature in individuals affected with ABCC2-related conditions. For these reasons, this variant has been classified as Pathogenic.

Juno Genomics, Hangzhou Juno Genomics, Inc
Classification: Likely pathogenic for Dubin-Johnson syndrome. Review status: criteria provided, single submitter. Criteria: ACMG Guidelines, 2015. Collection method: clinical testing. Allele origin: germline.
Comment: Null variant in a gene where loss of function (LOF) is a known mechanism of disease.;Absent from controls (or at extremely low frequency if recessive) in Genome Aggregation Database.

Literature cited by the submitters: PubMed 9185779 (cited by Labcorp Genetics (formerly Invitae), Labcorp); PubMed 16549534 (cited by Labcorp Genetics (formerly Invitae), Labcorp); PubMed 16952291 (cited by Labcorp Genetics (formerly Invitae), Labcorp).

NM_000392.5(ABCC2):c.4285G>T (p.Glu1429Ter)

Gene: ABCC2 (ATP binding cassette subfamily C member 2; plus strand). Cytogenetic location: 10q24.2.
Variant type: single nucleotide variant.
Coding change: c.4285G>T on transcript NM_000392.5 (MANE Select); coding-DNA position 4285, G replaced by T.
Protein change: p.Glu1429Ter; replaces glutamic acid 1429 with a stop codon.
Molecular consequence: nonsense.
Genome position (GRCh38, 1-based): chr10:99,847,099, G>T. VCF-style: chr10-99847099-G-T. GRCh37 (hg19) VCF-style: chr10-101606856-G-T.
Other names: short protein forms E1429*.
Identifiers: ClinVar variation 2701786 (VCV002701786.5), dbSNP rs754646220, ClinGen allele CA5644091.
Genomic context (GRCh38, chr10:99,847,099, plus strand): 5'-GCCTTGGAGCTGGCTCACCTCAAGTCTTTTGTGGCCAGCCTGCAACTTGGGTTATCCCAC[G>T]AAGTGACAGAGGCTGGTGGCAACCTGAGGTAATGTTCCATAGCCTGCTACCCCTGCAGGC-3'